The following is an entry in ClinVar:

NM_001197104.2(KMT2A):c.10106A>C (p.Asn3369Thr)

Gene: KMT2A (lysine methyltransferase 2A; plus strand). Cytogenetic location: 11q23.3.
Variant type: single nucleotide variant.
Coding change: c.10106A>C on transcript NM_001197104.2 (MANE Select); coding-DNA position 10106, A replaced by C.
Protein change: p.Asn3369Thr; replaces asparagine 3369 with threonine.
Molecular consequence: missense variant.
Genome position (GRCh38, 1-based): chr11:118,505,998, A>C. VCF-style: chr11-118505998-A-C. GRCh37 (hg19) VCF-style: chr11-118376713-A-C.
Other names: c.10196A>C, p.Asn3399Thr (NM_001412597.1); c.10097A>C, p.Asn3366Thr (NM_005933.4); short protein forms N3366T, N3369T, N3399T.
Identifiers: ClinVar variation 2821725 (VCV002821725.3), dbSNP rs1197988708, ClinGen allele CA382822658.
Genomic context (GRCh38, chr11:118,505,998, plus strand): 5'-TGCAAACTACCACAACCCCTACAAGTAGTGCGTCAGTTCCAGGACACGTCACCTTAACCA[A>C]CCCAAGGTTGCTTGGTACCCCAGATATTGGCTCAATAAGCAATCTTTTAATCAAAGCTAG-3'
Protein context (NP_001184033.1, residues 3359-3379): ASVPGHVTLT[Asn3369Thr]PRLLGTPDIG

ClinVar aggregate classification (germline): Uncertain significance (1 of 4 stars; one submission).

Allele frequency attached by ClinVar (database versions not stated): TOPMed 0.00001.

Submission:

Labcorp Genetics (formerly Invitae), Labcorp
Classification: Uncertain significance. Last evaluated: 2025-07-14. Review status: criteria provided, single submitter. Criteria: Invitae Variant Classification Sherloc (09022015). Collection method: clinical testing. Allele origin: germline.
Comment: This sequence change replaces asparagine, which is neutral and polar, with threonine, which is neutral and polar, at codon 3369 of the KMT2A protein (p.Asn3369Thr). This variant is not present in population databases (gnomAD no frequency). This variant has not been reported in the literature in individuals affected with KMT2A-related conditions. ClinVar contains an entry for this variant (Variation ID: 2821725). Invitae Evidence Modeling of protein sequence and biophysical properties (such as structural, functional, and spatial information, amino acid conservation, physicochemical variation, residue mobility, and thermodynamic stability) indicates that this missense variant is not expected to disrupt KMT2A protein function with a negative predictive value of 95%. In summary, the available evidence is currently insufficient to determine the role of this variant in disease. Therefore, it has been classified as a Variant of Uncertain Significance.